The following is an entry in ClinVar:

NM_177550.5(SLC13A5):c.1055+16A>C

Gene: SLC13A5 (solute carrier family 13 member 5; minus strand). Cytogenetic location: 17p13.1.
Variant type: single nucleotide variant.
Coding change: c.1055+16A>C on transcript NM_177550.5 (MANE Select); 16 bases into the intron after coding-DNA position 1055, A replaced by C.
Molecular consequence: intron variant.
Genome position (GRCh38, 1-based): chr17:6,695,710, T>G on the plus strand (A>C on the coding strand, the complement: SLC13A5 is on the minus strand). VCF-style: chr17-6695710-T-G. GRCh37 (hg19) VCF-style: chr17-6599029-T-G.
Other names: c.926+16A>C (NM_001284510.2); c.1004+16A>C (NM_001284509.2); c.1055+16A>C (NM_001143838.3).
Identifiers: ClinVar variation 517770 (VCV000517770.9), dbSNP rs756534283, ClinGen allele CA8331546.

ClinVar aggregate classification (germline): Likely benign. Review status: criteria provided, multiple submitters, no conflicts (2 of 4 stars). 2 submissions from 2 submitters: Likely benign (2). Last evaluated 2024-08-05.

Conditions:
Developmental and epileptic encephalopathy, 25 (DEE25). Also called: Epileptic encephalopathy, early infantile, 25; Developmental and epileptic encephalopathy 25, with amelogenesis imperfecta; Epileptic encephalopathy, early infantile, 25, with amelogenesis imperfecta. Identifiers: Orphanet 442835, MedGen C4014621, MONDO:0014392, OMIM 615905.

Allele frequency attached by ClinVar (database versions not stated): TOPMed 0.00004; ExAC 0.00003; gnomAD exomes 0.00004; gnomAD 0.00006.
gnomAD v4.1: 46 of 1,613,408 alleles (0.0029%); highest among the groups gnomAD compares: Middle Eastern, 0.016%; no homozygotes.

Submissions (2):

Labcorp Genetics (formerly Invitae), Labcorp
Classification: Likely benign for Developmental and epileptic encephalopathy, 25. Last evaluated: 2024-08-05. Review status: criteria provided, single submitter. Criteria: Invitae Variant Classification Sherloc (09022015). Collection method: clinical testing. Allele origin: germline.

GeneDx
Classification: Likely benign. Last evaluated: 2017-03-02. Review status: criteria provided, single submitter. Criteria: GeneDx Variant Classification (06012015). Collection method: clinical testing. Allele origin: germline. Affected: yes.
Comment: This variant is considered likely benign or benign based on one or more of the following criteria: it is a conservative change, it occurs at a poorly conserved position in the protein, it is predicted to be benign by multiple in silico algorithms, and/or has population frequency not consistent with disease.